The following is an entry in ClinVar:

NM_005121.3(MED13):c.6127_6129dup (p.Thr2043_Asp2044insThr)

Gene: MED13 (mediator complex subunit 13; minus strand). Cytogenetic location: 17q23.2.
Variant type: Duplication.
Coding change: c.6127_6129dup on transcript NM_005121.3 (MANE Select); coding-DNA positions 6127 to 6129, 3 bases duplicated (ACT; older notation c.6127_6129dupACT).
Protein change: p.Thr2043_Asp2044insThr.
Molecular consequence: inframe insertion.
Genome position (GRCh38, 1-based): chr17:61,950,987-61,950,989, AGT duplicated on the plus strand (ACT on the coding strand, the reverse complement: MED13 is on the minus strand); duplicating any 3 consecutive bases within chr17:61,950,987-61,950,990 gives the same sequence; the c. name uses the placement nearest the transcript's 3' end. VCF-style (leftmost placement, unchanged base first): chr17-61950986-C-CAGT. GRCh37 (hg19) VCF-style: chr17-60028347-C-CAGT.
Identifiers: ClinVar variation 2631043 (VCV002631043.2), dbSNP rs992188839, ClinGen allele CA292805684.
Genomic context (GRCh38, chr17:61,950,986, plus strand): 5'-CCAATGGTTGCTGAAGAATATTAGGTACTTCCTCATGAGGTTCTGTTGATAGTAGCCGAT[C>CAGT]AGTACTCTGACCCTTAAAAAGACAAAATTAAAAGTATATTAGTTCACTCAGTGTAACTAA-3'

ClinVar aggregate classification (germline): Uncertain significance (0 of 4 stars; one submission).

Conditions:
MED13-related disorder. Also called: MED13-related condition.

Submission:

PreventionGenetics, part of Exact Sciences
Classification: Uncertain significance for MED13-related condition. Last evaluated: 2024-09-12. Review status: no assertion criteria provided. Collection method: clinical testing. Allele origin: germline.
Comment: The MED13 c.6127_6129dupACT variant is predicted to result in an in-frame duplication (p.Thr2043dup). To our knowledge, this variant has not been reported in the literature or in a large population database, indicating this variant is rare. At this time, the clinical significance of this variant is uncertain due to the absence of conclusive functional and genetic evidence.